The following is an entry in ClinVar:

ClinVar aggregate classification (germline): Conflicting classifications of pathogenicity. Review status: criteria provided, conflicting classifications (1 of 4 stars). 4 submissions from 4 submitters: Uncertain significance (3); Likely benign (1). Last evaluated 2025-05-23.

Conditions:
Inborn genetic diseases. Identifiers: MedGen C0950123, MeSH D030342.
Cone dystrophy 3 (COD3). Also called: RETINAL CONE DYSTROPHY. Identifiers: Orphanet 1872, MedGen C1865869, MONDO:0011193, OMIM 602093.

Allele frequency attached by ClinVar (database versions not stated): gnomAD 0.00010 and 0.00011; TOPMed 0.00012; ExAC 0.00014; gnomAD exomes 0.00014 and 0.00022; ESP Exome Variant Server 0.00031.
gnomAD v4.1: 326 of 1,611,334 alleles (0.02%); highest among the groups gnomAD compares: Non-Finnish European, 0.026%; no homozygotes.

Submissions (4):

Labcorp Genetics (formerly Invitae), Labcorp
Classification: Uncertain significance. Last evaluated: 2025-05-23. Review status: criteria provided, single submitter. Criteria: Invitae Variant Classification Sherloc (09022015). Collection method: clinical testing. Allele origin: germline.
Comment: This sequence change replaces glutamic acid, which is acidic and polar, with glutamine, which is neutral and polar, at codon 190 of the GUCA1A protein (p.Glu190Gln). This variant is present in population databases (rs137984482, gnomAD 0.03%). This variant has not been reported in the literature in individuals affected with GUCA1A-related conditions. ClinVar contains an entry for this variant (Variation ID: 841640). An algorithm developed to predict the effect of missense changes on protein structure and function outputs the following: PolyPhen-2: "Not Available". The glutamine amino acid residue is found in multiple mammalian species, which suggests that this missense change does not adversely affect protein function. In summary, the available evidence is currently insufficient to determine the role of this variant in disease. Therefore, it has been classified as a Variant of Uncertain Significance.

Blueprint Genetics
Classification: Likely benign. Last evaluated: 2024-10-09. Review status: criteria provided, single submitter. Criteria: ACMG Guidelines, 2015. Collection method: clinical testing. Allele origin: germline.

Ambry Genetics
Classification: Uncertain significance for Inborn genetic diseases. Last evaluated: 2024-04-09. Review status: criteria provided, single submitter. Criteria: Ambry Variant Classification Scheme 2023. Collection method: clinical testing. Allele origin: germline.

Illumina Laboratory Services, Illumina
Classification: Uncertain significance for Cone dystrophy 3. Last evaluated: 2017-04-27. Review status: criteria provided, single submitter. Criteria: ICSL Variant Classification Criteria 13 December 2019. Collection method: clinical testing. Allele origin: germline.

NM_001384910.1(GUCA1A):c.568G>C (p.Glu190Gln)

Genes: GUCA1A (guanylate cyclase activator 1A; plus strand), GUCA1ANB-GUCA1A (GUCA1ANB-GUCA1A readthrough; plus strand). Cytogenetic location: 6p21.1.
Variant type: single nucleotide variant.
Coding change: c.568G>C on transcript NM_001384910.1 (MANE Select); coding-DNA position 568, G replaced by C.
Protein change: p.Glu190Gln; replaces glutamic acid 190 with glutamine.
Molecular consequence: missense variant.
Genome position (GRCh38, 1-based): chr6:42,179,365, G>C. VCF-style: chr6-42179365-G-C. GRCh37 (hg19) VCF-style: chr6-42147103-G-C.
Other names: c.568G>C, p.Glu190Gln (NM_000409.5, NM_001319061.2, NM_001319062.2); short protein forms E190Q.
Identifiers: ClinVar variation 841640 (VCV000841640.13), dbSNP rs137984482, ClinGen allele CA3805446.